The following is an entry in ClinVar:

ClinVar aggregate classification (germline): Uncertain significance (1 of 4 stars; one submission).

Submission:

Labcorp Genetics (formerly Invitae), Labcorp
Classification: Uncertain significance. Last evaluated: 2022-07-18. Review status: criteria provided, single submitter. Criteria: Invitae Variant Classification Sherloc (09022015). Collection method: clinical testing. Allele origin: germline.
Comment: In summary, the available evidence is currently insufficient to determine the role of this variant in disease. Therefore, it has been classified as a Variant of Uncertain Significance. Algorithms developed to predict the effect of missense changes on protein structure and function (SIFT, PolyPhen-2, Align-GVGD) all suggest that this variant is likely to be disruptive. ClinVar contains an entry for this variant (Variation ID: 1486508). This variant has not been reported in the literature in individuals affected with RCBTB1-related conditions. This variant is not present in population databases (gnomAD no frequency). This sequence change replaces tryptophan, which is neutral and slightly polar, with arginine, which is basic and polar, at codon 205 of the RCBTB1 protein (p.Trp205Arg).

NM_018191.4(RCBTB1):c.613T>C (p.Trp205Arg)

Gene: RCBTB1 (RCC1 and BTB domain containing protein 1; minus strand). Cytogenetic location: 13q14.2.
Variant type: single nucleotide variant.
Coding change: c.613T>C on transcript NM_018191.4 (MANE Select); coding-DNA position 613, T replaced by C.
Protein change: p.Trp205Arg; replaces tryptophan 205 with arginine.
Molecular consequence: missense variant. On other transcripts: non-coding transcript variant (2).
Genome position (GRCh38, 1-based): chr13:49,552,276, A>G on the plus strand (T>C on the coding strand, the complement: RCBTB1 is on the minus strand). VCF-style: chr13-49552276-A-G. GRCh37 (hg19) VCF-style: chr13-50126412-A-G.
Other names: c.613T>C, p.Trp205Arg (NM_001352500.2, NM_001352501.2, NM_001352502.2 and 3 more transcripts); c.34T>C, p.Trp12Arg (NM_001352506.2); short protein forms W205R, W12R.
Identifiers: ClinVar variation 1486508 (VCV001486508.8), dbSNP rs2139186858, ClinGen allele CA388191004.
Genomic context (GRCh38, chr13:49,552,276, plus strand): 5'-CAGGGGTCAGCTGGTTGCCATTGTTTCCCAGGCCCAGCTGACCGTTGCCATTGTAACCCC[A>G]GCCATATACCTTAGAGAGGACAGAAGGGAGAGAGTGAGATTTTTAAACTGCTGGTAAGAA-3'
Protein context (NP_060661.3, residues 195-215): AVLDNGEVYG[Trp205Arg]GYNGNGQLGL